The following is an entry in ClinVar:

ClinVar aggregate classification (germline): Likely benign. Review status: criteria provided, multiple submitters, no conflicts (2 of 4 stars). 4 submissions from 4 submitters: Likely benign (4). Last evaluated 2026-01-12.

Allele frequency attached by ClinVar (database versions not stated): 1000 Genomes Project 0.00220; 1000 Genomes Project 30x 0.00250; gnomAD exomes 0.00338 and 0.00551; TOPMed 0.00339; ExAC 0.00349; gnomAD 0.00354 and 0.00356; ESP Exome Variant Server 0.00469.
gnomAD v4.1: 8,564 of 1,613,848 alleles (0.53%); highest among the groups gnomAD compares: Non-Finnish European, 0.65%; 35 homozygotes.

Submissions (4):

Labcorp Genetics (formerly Invitae), Labcorp
Classification: Likely benign. Last evaluated: 2026-01-12. Review status: criteria provided, single submitter. Criteria: Invitae Variant Classification Sherloc (09022015). Collection method: clinical testing. Allele origin: germline.

Blueprint Genetics
Classification: Likely benign. Last evaluated: 2024-11-25. Review status: criteria provided, single submitter. Criteria: ACMG Guidelines, 2015. Collection method: clinical testing. Allele origin: germline.

CeGaT Center for Human Genetics Tuebingen
Classification: Likely benign. Last evaluated: 2023-04-01. Review status: criteria provided, single submitter. Criteria: CeGaT Center For Human Genetics Tuebingen Variant Classification Criteria Version 2. Collection method: clinical testing. Allele origin: germline. Affected: yes. Observed: 4 variant alleles.
Comment: CELSR2: BP4, BS2

Breakthrough Genomics
Classification: Likely benign. Review status: criteria provided, single submitter. Criteria: ACMG Guidelines, 2015. Collection method: not provided. Allele origin: germline. Inheritance: Unknown mechanism. Affected: yes.

NM_001408.3(CELSR2):c.3041T>A (p.Leu1014His)

Genes: CELSR2 (cadherin EGF LAG seven-pass G-type receptor 2; plus strand), LOC110121283 (VISTA enhancer hs2216; plus strand). Cytogenetic location: 1p13.3.
Variant type: single nucleotide variant.
Coding change: c.3041T>A on transcript NM_001408.3 (MANE Select); coding-DNA position 3041, T replaced by A.
Protein change: p.Leu1014His; replaces leucine 1014 with histidine.
Molecular consequence: missense variant.
Genome position (GRCh38, 1-based): chr1:109,253,120, T>A. VCF-style: chr1-109253120-T-A. GRCh37 (hg19) VCF-style: chr1-109795742-T-A.
Other names: short protein forms L1014H.
Identifiers: ClinVar variation 774583 (VCV000774583.35), dbSNP rs115856488, ClinGen allele CA986857.